The following is an entry in ClinVar:

NM_000368.5(TSC1):c.1794C>A (p.Ser598Arg)

Gene: TSC1 (TSC complex subunit 1; minus strand). Cytogenetic location: 9q34.13.
Variant type: single nucleotide variant.
Coding change: c.1794C>A on transcript NM_000368.5 (MANE Select); coding-DNA position 1794, C replaced by A.
Protein change: p.Ser598Arg; replaces serine 598 with arginine.
Molecular consequence: missense variant.
Genome position (GRCh38, 1-based): chr9:132,905,784, G>T on the plus strand (C>A on the coding strand, the complement: TSC1 is on the minus strand). VCF-style: chr9-132905784-G-T. GRCh37 (hg19) VCF-style: chr9-135781171-G-T.
Other names: c.1791C>A, p.Ser597Arg (NM_001162426.2); c.1641C>A, p.Ser547Arg (NM_001162427.2); c.1431C>A, p.Ser477Arg (NM_001362177.2); short protein forms S598R, S547R, S477R, S597R.
Identifiers: ClinVar variation 534428 (VCV000534428.11), dbSNP rs766438395, ClinGen allele CA375363473.
Genomic context (GRCh38, chr9:132,905,784, plus strand): 5'-ATGATGGGCTGTCTTTGGCAATGCCACCTCAAAAAGATGATCATACGGGGGAGGCTGCCC[G>T]CTTCCAAAGCCCACTCTCGTCGGAGGTGGAATTTTACAAGGACTGGGAGTGAAGATACTG-3'
Protein context (NP_000359.1, residues 588-608): IPPPTRVGFG[Ser598Arg]GQPPPYDHLF

ClinVar aggregate classification (germline): Uncertain significance. Review status: criteria provided, multiple submitters, no conflicts (2 of 4 stars). 3 submissions from 3 submitters: Uncertain significance (3). Last evaluated 2025-10-02.

Conditions:
Hereditary cancer-predisposing syndrome. Also called: Neoplastic Syndromes, Hereditary; Hereditary neoplastic syndrome; Tumor predisposition; Hereditary Cancer Syndrome. Identifiers: Orphanet 140162, MedGen C0027672, MeSH D009386, MONDO:0015356.
Tuberous sclerosis syndrome (TSC). Also called: Tuberous Sclerosis Complex; Tuberous sclerosis. Identifiers: Orphanet 805, MedGen C0041341, MONDO:0001734.
Tuberous sclerosis 1 (TSC1). Identifiers: Orphanet 805, MedGen C1854465, MONDO:0008612, OMIM 191100.

gnomAD v4.1: 2 of 1,614,184 alleles (0.00012%); highest among the groups gnomAD compares: Non-Finnish European, 0.00017%; no homozygotes.

Submissions (3):

Ambry Genetics
Classification: Uncertain significance for Hereditary cancer-predisposing syndrome. Last evaluated: 2025-10-02. Review status: criteria provided, single submitter. Criteria: Ambry Variant Classification Scheme 2023. Collection method: clinical testing. Allele origin: germline.
Comment: The p.S598R variant (also known as c.1794C>A), located in coding exon 13 of the TSC1 gene, results from a C to A substitution at nucleotide position 1794. The serine at codon 598 is replaced by arginine, an amino acid with dissimilar properties. This amino acid position is conserved. In addition, this alteration is predicted to be tolerated by in silico analysis. Since supporting evidence is limited at this time, the clinical significance of this alteration remains unclear.

Color Diagnostics, LLC DBA Color Health
Classification: Uncertain significance for Tuberous sclerosis syndrome. Last evaluated: 2025-07-14. Review status: criteria provided, single submitter. Criteria: ACMG Guidelines, 2015. Collection method: clinical testing. Allele origin: germline.
Comment: This missense variant replaces serine with arginine at codon 598 of the TSC1 protein. Computational prediction suggests that this variant may not impact protein structure and function. To our knowledge, functional studies have not been reported for this variant. This variant has not been reported in individuals affected with TSC1-related disorders in the literature. This variant has not been identified in the general population by the Genome Aggregation Database (gnomAD). The available evidence is insufficient to determine the role of this variant in disease conclusively. Therefore, this variant is classified as a Variant of Uncertain Significance.

Labcorp Genetics (formerly Invitae), Labcorp
Classification: Uncertain significance for Tuberous sclerosis 1. Last evaluated: 2024-12-26. Review status: criteria provided, single submitter. Criteria: Invitae Variant Classification Sherloc (09022015). Collection method: clinical testing. Allele origin: germline.
Comment: This sequence change replaces serine, which is neutral and polar, with arginine, which is basic and polar, at codon 598 of the TSC1 protein (p.Ser598Arg). This variant is not present in population databases (gnomAD no frequency). This variant has not been reported in the literature in individuals affected with TSC1-related conditions. ClinVar contains an entry for this variant (Variation ID: 534428). Invitae Evidence Modeling of protein sequence and biophysical properties (such as structural, functional, and spatial information, amino acid conservation, physicochemical variation, residue mobility, and thermodynamic stability) indicates that this missense variant is not expected to disrupt TSC1 protein function with a negative predictive value of 95%. In summary, the available evidence is currently insufficient to determine the role of this variant in disease. Therefore, it has been classified as a Variant of Uncertain Significance.